The following is an entry in ClinVar:

ClinVar aggregate classification (germline): Uncertain significance. Review status: criteria provided, multiple submitters, no conflicts (2 of 4 stars). 3 submissions from 3 submitters: Uncertain significance (3). Last evaluated 2025-04-03.

Conditions:
TOPORS-related disorder. Also called: TOPORS-related condition.
Inborn genetic diseases. Identifiers: MedGen C0950123, MeSH D030342.

Allele frequency attached by ClinVar (database versions not stated): ExAC 0.00001; gnomAD 0.00001; TOPMed 0.00001.
gnomAD v4.1: 20 of 1,613,930 alleles (0.0012%); highest among the groups gnomAD compares: Non-Finnish European, 0.0017%; no homozygotes.

Submissions (3):

PreventionGenetics, part of Exact Sciences
Classification: Uncertain significance for TOPORS-related condition. Last evaluated: 2025-04-03. Review status: criteria provided, single submitter. Criteria: ACMG Guidelines, 2015. Collection method: clinical testing. Allele origin: germline.
Comment: The TOPORS c.1388C>T variant is predicted to result in the amino acid substitution p.Thr463Ile. To our knowledge, this variant has not been reported in the literature. This variant is reported in 0.0031% of alleles in individuals of European (Non-Finnish) descent in gnomAD. At this time, the clinical significance of this variant is uncertain due to the absence of conclusive functional and genetic evidence.

Ambry Genetics
Classification: Uncertain significance for Inborn genetic diseases. Last evaluated: 2024-11-25. Review status: criteria provided, single submitter. Criteria: Ambry Variant Classification Scheme 2023. Collection method: clinical testing. Allele origin: germline.

Labcorp Genetics (formerly Invitae), Labcorp
Classification: Uncertain significance. Last evaluated: 2022-04-22. Review status: criteria provided, single submitter. Criteria: Invitae Variant Classification Sherloc (09022015). Collection method: clinical testing. Allele origin: germline.
Comment: This sequence change replaces threonine, which is neutral and polar, with isoleucine, which is neutral and non-polar, at codon 463 of the TOPORS protein (p.Thr463Ile). This variant is present in population databases (rs777634455, gnomAD 0.003%). This variant has not been reported in the literature in individuals affected with TOPORS-related conditions. In summary, the available evidence is currently insufficient to determine the role of this variant in disease. Therefore, it has been classified as a Variant of Uncertain Significance. Algorithms developed to predict the effect of missense changes on protein structure and function are either unavailable or do not agree on the potential impact of this missense change (SIFT: "Tolerated"; PolyPhen-2: "Possibly Damaging"; Align-GVGD: "Class C0").

NM_005802.5(TOPORS):c.1388C>T (p.Thr463Ile)

Gene: TOPORS (TOP1 binding arginine/serine rich protein, E3 ubiquitin ligase; minus strand). Cytogenetic location: 9p21.1.
Variant type: single nucleotide variant.
Coding change: c.1388C>T on transcript NM_005802.5 (MANE Select); coding-DNA position 1388, C replaced by T.
Protein change: p.Thr463Ile; replaces threonine 463 with isoleucine.
Molecular consequence: missense variant.
Genome position (GRCh38, 1-based): chr9:32,543,137, G>A on the plus strand (C>T on the coding strand, the complement: TOPORS is on the minus strand). VCF-style: chr9-32543137-G-A. GRCh37 (hg19) VCF-style: chr9-32543135-G-A.
Other names: c.1193C>T, p.Thr398Ile (NM_001195622.2); c.1388C>T (NM_005802.4); short protein forms T398I, T463I.
Identifiers: ClinVar variation 1899074 (VCV001899074.7), dbSNP rs777634455, ClinGen allele CA5020529.